The following is an entry in ClinVar:

NM_017752.3(TBC1D8B):c.2995C>T (p.Leu999Phe)

Gene: TBC1D8B (TBC1 domain family member 8B; plus strand). Cytogenetic location: Xq22.3.
Variant type: single nucleotide variant.
Coding change: c.2995C>T on transcript NM_017752.3 (MANE Select); coding-DNA position 2995, C replaced by T.
Protein change: p.Leu999Phe; replaces leucine 999 with phenylalanine.
Molecular consequence: missense variant.
Genome position (GRCh38, 1-based): chrX:106,873,597, C>T. VCF-style: chrX-106873597-C-T. GRCh37 (hg19) VCF-style: chrX-106116827-C-T.
Other names: c.2845C>T, p.Leu949Phe (NM_001441214.1); c.2701C>T, p.Leu901Phe (NM_001441215.1); short protein forms L949F, L999F, L901F.
Identifiers: ClinVar variation 4715956 (VCV004715956.1).

ClinVar aggregate classification (germline): Uncertain significance (1 of 4 stars; one submission).

Submission:

Labcorp Genetics (formerly Invitae), Labcorp
Classification: Uncertain significance. Last evaluated: 2025-08-04. Review status: criteria provided, single submitter. Criteria: Invitae Variant Classification Sherloc (09022015). Collection method: clinical testing. Allele origin: germline.
Comment: This sequence change replaces leucine, which is neutral and non-polar, with phenylalanine, which is neutral and non-polar, at codon 999 of the TBC1D8B protein (p.Leu999Phe). This variant is not present in population databases (gnomAD no frequency). This variant has not been reported in the literature in individuals affected with TBC1D8B-related conditions. An algorithm developed to predict the effect of missense changes on protein structure and function outputs the following: PolyPhen-2: "Benign". The phenylalanine amino acid residue is found in multiple mammalian species, which suggests that this missense change does not adversely affect protein function. In summary, the available evidence is currently insufficient to determine the role of this variant in disease. Therefore, it has been classified as a Variant of Uncertain Significance.